The following is an entry in ClinVar:

NM_153646.4(SLC24A4):c.655G>A (p.Val219Met)

Gene: SLC24A4 (solute carrier family 24 member 4; plus strand). Cytogenetic location: 14q32.12.
Variant type: single nucleotide variant.
Coding change: c.655G>A on transcript NM_153646.4 (MANE Select); coding-DNA position 655, G replaced by A.
Protein change: p.Val219Met; replaces valine 219 with methionine.
Molecular consequence: missense variant.
Genome position (GRCh38, 1-based): chr14:92,443,472, G>A. VCF-style: chr14-92443472-G-A. GRCh37 (hg19) VCF-style: chr14-92909816-G-A.
Other names: c.655G>A, p.Val219Met (NM_001378620.1, NM_153647.4); c.463G>A, p.Val155Met (NM_153648.4); short protein forms V219M, V155M.
Identifiers: ClinVar variation 786254 (VCV000786254.6), dbSNP rs146818489, ClinGen allele CA7315810.
Genomic context (GRCh38, chr14:92,443,472, plus strand): 5'-ACGTGGTGGGCCGTGTGCCGAGACTCCGTGTACTACACCATCTCTGTCATCGTGCTCATC[G>A]TGGTGAGTTGCCCCTCTGCCCCCAAGGTCAGGTTGGCTGGGACCCTGCGAAGGCACAGGA-3'
Protein context (NP_705932.2, residues 209-229): YYTISVIVLI[Val219Met]FIYDEQIVWW

ClinVar aggregate classification (germline): Likely benign. Review status: criteria provided, multiple submitters, no conflicts (2 of 4 stars). 3 submissions from 3 submitters: Likely benign (2). 1 of the submissions does not count toward it. Last evaluated 2018-12-20.

Conditions:
SLC24A4-related disorder. Also called: SLC24A4-related condition.

Allele frequency attached by ClinVar (database versions not stated): gnomAD exomes 0.00022 and 0.00058; gnomAD 0.00240 and 0.00228; ExAC 0.00081; ESP Exome Variant Server 0.00292; 1000 Genomes Project 30x 0.00203; 1000 Genomes Project 0.00220; TOPMed 0.00258.
gnomAD v4.1: 687 of 1,614,160 alleles (0.043%); highest among the groups gnomAD compares: African/African-American, 0.74%; 3 homozygotes.

Submissions (3):

Labcorp Genetics (formerly Invitae), Labcorp
Classification: Likely benign. Last evaluated: 2018-12-20. Review status: criteria provided, single submitter. Criteria: Invitae Variant Classification Sherloc (09022015). Collection method: clinical testing. Allele origin: germline.

Breakthrough Genomics
Classification: Likely benign. Review status: criteria provided, single submitter. Criteria: ACMG Guidelines, 2015. Collection method: not provided. Allele origin: germline. Inheritance: Autosomal recessive inheritance. Affected: yes.

PreventionGenetics, part of Exact Sciences
Classification: Benign for SLC24A4-related condition. Last evaluated: 2020-03-17. Review status: no assertion criteria provided. Collection method: clinical testing. Allele origin: germline. Not counted in ClinVar's aggregate classification.
Comment: This variant is classified as benign based on ACMG/AMP sequence variant interpretation guidelines (Richards et al. 2015 PMID: 25741868, with internal and published modifications).